The following is an entry in ClinVar:

ClinVar aggregate classification (germline): Uncertain significance. Review status: criteria provided, multiple submitters, no conflicts (2 of 4 stars). 3 submissions from 3 submitters: Uncertain significance (3). Last evaluated 2025-08-25.

Conditions:
Inborn genetic diseases. Identifiers: MedGen C0950123, MeSH D030342.
Pierson syndrome. Also called: MICROCORIA-CONGENITAL NEPHROTIC SYNDROME. Identifiers: Orphanet 2670, MedGen C1836876, MONDO:0012184, OMIM 609049.
LAMB2-related infantile-onset nephrotic syndrome. Also called: NEPHROTIC SYNDROME, TYPE 5, WITHOUT OCULAR ABNORMALITIES; NEPHROTIC SYNDROME, TYPE 5, WITH OCULAR ABNORMALITIES; Nephrotic Syndrome, type 5. Identifiers: Orphanet 306507, MedGen C3280113, MONDO:0013621, OMIM 614199.

Allele frequency attached by ClinVar (database versions not stated): gnomAD 0.00001; TOPMed 0.00001; gnomAD exomes 0.00002 and 0.00003.
gnomAD v4.1: 11 of 1,614,068 alleles (0.00068%); highest among the groups gnomAD compares: Admixed American, 0.015%; no homozygotes.

Submissions (3):

Ambry Genetics
Classification: Uncertain significance for Inborn genetic diseases. Last evaluated: 2025-08-25. Review status: criteria provided, single submitter. Criteria: Ambry Variant Classification Scheme 2023. Collection method: clinical testing. Allele origin: germline.

Labcorp Genetics (formerly Invitae), Labcorp
Classification: Uncertain significance for LAMB2-related infantile-onset nephrotic syndrome; Pierson syndrome. Last evaluated: 2022-04-21. Review status: criteria provided, single submitter. Criteria: Invitae Variant Classification Sherloc (09022015). Collection method: clinical testing. Allele origin: germline.
Comment: This sequence change replaces tryptophan, which is neutral and slightly polar, with serine, which is neutral and polar, at codon 16 of the LAMB2 protein (p.Trp16Ser). This variant is present in population databases (no rsID available, gnomAD 0.02%). This variant has not been reported in the literature in individuals affected with LAMB2-related conditions. Algorithms developed to predict the effect of missense changes on protein structure and function are either unavailable or do not agree on the potential impact of this missense change (SIFT: "Tolerated"; PolyPhen-2: "Probably Damaging"; Align-GVGD: "Class C0"). In summary, the available evidence is currently insufficient to determine the role of this variant in disease. Therefore, it has been classified as a Variant of Uncertain Significance.

Fulgent Genetics
Classification: Uncertain significance for Pierson syndrome; LAMB2-related infantile-onset nephrotic syndrome. Last evaluated: 2021-12-23. Review status: criteria provided, single submitter. Criteria: ACMG Guidelines, 2015. Collection method: clinical testing. Allele origin: unknown.

NM_002292.4(LAMB2):c.47G>C (p.Trp16Ser)

Gene: LAMB2 (laminin subunit beta 2; minus strand). Cytogenetic location: 3p21.31.
Variant type: single nucleotide variant.
Coding change: c.47G>C on transcript NM_002292.4 (MANE Select); coding-DNA position 47, G replaced by C.
Protein change: p.Trp16Ser; replaces tryptophan 16 with serine.
Molecular consequence: missense variant.
Genome position (GRCh38, 1-based): chr3:49,132,821, C>G on the plus strand (G>C on the coding strand, the complement: LAMB2 is on the minus strand). VCF-style: chr3-49132821-C-G. GRCh37 (hg19) VCF-style: chr3-49170254-C-G.
Other names: c.47G>C (NM_002292.3); short protein forms W16S.
Identifiers: ClinVar variation 1401116 (VCV001401116.6), dbSNP rs1051360734, ClinGen allele CA74490805.
Genomic context (GRCh38, chr3:49,132,821, plus strand): 5'-ACAACCCCCAGCCCCCACCAGGCCCTCTCACCGCTTAGCAGTAGGCCCAGTCGAAGTTCC[C>G]AGGGCAGAGGCTGTCCCCTCCCTCTTTCCCTTGAGGTCAGCTCCATCCTGAAGAGGGGAA-3'
Protein context (NP_002283.3, residues 6-26): RERGRGQPLP[Trp16Ser]ELRLGLLLSV